The following is an entry in ClinVar:

ClinVar aggregate classification (germline): Conflicting classifications of pathogenicity. Review status: criteria provided, conflicting classifications (1 of 4 stars). 2 submissions from 2 submitters: Uncertain significance (1); Likely benign (1). Last evaluated 2026-01-08.

Conditions:
Inborn genetic diseases. Identifiers: MedGen C0950123, MeSH D030342.

gnomAD v4.1: 8 of 1,613,738 alleles (0.0005%); highest among the groups gnomAD compares: African/African-American, 0.0027%; no homozygotes.

Submissions (2):

Labcorp Genetics (formerly Invitae), Labcorp
Classification: Uncertain significance. Last evaluated: 2026-01-08. Review status: criteria provided, single submitter. Criteria: Invitae Variant Classification Sherloc (09022015). Collection method: clinical testing. Allele origin: germline.
Comment: This sequence change replaces alanine, which is neutral and non-polar, with threonine, which is neutral and polar, at codon 31 of the TNFRSF11A protein (p.Ala31Thr). This variant is present in population databases (rs765830728, gnomAD 0.006%). This variant has not been reported in the literature in individuals affected with TNFRSF11A-related conditions. ClinVar contains an entry for this variant (Variation ID: 1389275). Invitae Evidence Modeling of protein sequence and biophysical properties (such as structural, functional, and spatial information, amino acid conservation, physicochemical variation, residue mobility, and thermodynamic stability) indicates that this missense variant is not expected to disrupt TNFRSF11A protein function with a negative predictive value of 80%. In summary, the available evidence is currently insufficient to determine the role of this variant in disease. Therefore, it has been classified as a Variant of Uncertain Significance.

Ambry Genetics
Classification: Likely benign for Inborn genetic diseases. Last evaluated: 2025-04-13. Review status: criteria provided, single submitter. Criteria: Ambry Variant Classification Scheme 2023. Collection method: clinical testing. Allele origin: germline.

NM_003839.4(TNFRSF11A):c.91G>A (p.Ala31Thr)

Gene: TNFRSF11A (TNF receptor superfamily member 11a; plus strand). Cytogenetic location: 18q21.33.
Variant type: single nucleotide variant.
Coding change: c.91G>A on transcript NM_003839.4 (MANE Select); coding-DNA position 91, G replaced by A.
Protein change: p.Ala31Thr; replaces alanine 31 with threonine.
Molecular consequence: missense variant.
Genome position (GRCh38, 1-based): chr18:62,348,183, G>A. VCF-style: chr18-62348183-G-A. GRCh37 (hg19) VCF-style: chr18-60015416-G-A.
Other names: c.91G>A (NM_003839.2); c.91G>A, p.Ala31Thr (NM_001270949.2, NM_001270950.2, NM_001270951.2 and 1 more transcripts); short protein forms A31T.
Identifiers: ClinVar variation 1389275 (VCV001389275.9), dbSNP rs765830728, ClinGen allele CA8983637.